The following is an entry in ClinVar:

NM_002709.3(PPP1CB):c.141C>A (p.Ser47Arg)

Gene: PPP1CB (protein phosphatase 1 catalytic subunit beta; plus strand). Cytogenetic location: 2p23.2.
Variant type: single nucleotide variant.
Coding change: c.141C>A on transcript NM_002709.3 (MANE Select); coding-DNA position 141, C replaced by A.
Protein change: p.Ser47Arg; replaces serine 47 with arginine.
Molecular consequence: missense variant.
Genome position (GRCh38, 1-based): chr2:28,776,939, C>A. VCF-style: chr2-28776939-C-A. GRCh37 (hg19) VCF-style: chr2-28999805-C-A.
Other names: c.141C>A, p.Ser47Arg (NM_206876.2); short protein forms S47R.
Identifiers: ClinVar variation 1488554 (VCV001488554.6), dbSNP rs2148048888, ClinGen allele CA346581065.

ClinVar aggregate classification (germline): Uncertain significance (1 of 4 stars; one submission).

Submission:

Labcorp Genetics (formerly Invitae), Labcorp
Classification: Uncertain significance. Last evaluated: 2025-01-23. Review status: criteria provided, single submitter. Criteria: Invitae Variant Classification Sherloc (09022015). Collection method: clinical testing. Allele origin: germline.
Comment: This sequence change replaces serine, which is neutral and polar, with arginine, which is basic and polar, at codon 47 of the PPP1CB protein (p.Ser47Arg). This variant is not present in population databases (gnomAD no frequency). This variant has not been reported in the literature in individuals affected with PPP1CB-related conditions. ClinVar contains an entry for this variant (Variation ID: 1488554). Invitae Evidence Modeling of protein sequence and biophysical properties (such as structural, functional, and spatial information, amino acid conservation, physicochemical variation, residue mobility, and thermodynamic stability) indicates that this missense variant is not expected to disrupt PPP1CB protein function with a negative predictive value of 80%. In summary, the available evidence is currently insufficient to determine the role of this variant in disease. Therefore, it has been classified as a Variant of Uncertain Significance.